The following is an entry in ClinVar:

ClinVar aggregate classification (germline): Uncertain significance (1 of 4 stars; one submission).

Conditions:
Biotin-responsive basal ganglia disease (BTBGD). Also called: THIAMINE METABOLISM DYSFUNCTION SYNDROME 2 (BIOTIN- AND THIAMINE-RESPONSIVE TYPE); Thiamine metabolism dysfunction syndrome type 2; Thiamine Transporter-2 Deficiency; thiamine-responsive encephalopathy; Thiamine metabolism dysfunction syndrome 2 (biotin- or thiamine-responsive encephalopathy type 2). Identifiers: Orphanet 199348, Orphanet 65284, MedGen C1843807, MONDO:0011841, OMIM 607483.

Submission:

Labcorp Genetics (formerly Invitae), Labcorp
Classification: Uncertain significance for Biotin-responsive basal ganglia disease. Last evaluated: 2022-09-19. Review status: criteria provided, single submitter. Criteria: Invitae Variant Classification Sherloc (09022015). Collection method: clinical testing. Allele origin: germline.
Comment: A copy number gain of the genomic region encompassing the full coding sequence of the SLC19A3 gene has been identified. The boundaries of this event are unknown as they extend beyond the assayed region for this gene and therefore may encompass additional genes. As the precise location of this event is unknown, it may be in tandem or it may be located elsewhere in the genome. This variant has not been reported in the literature in individuals affected with SLC19A3-related conditions. Experimental studies and prediction algorithms are not available or were not evaluated, and the functional significance of this variant is currently unknown. In summary, the available evidence is currently insufficient to determine the role of this variant in disease. Therefore, it has been classified as a Variant of Uncertain Significance.

NC_000002.11:g.(?_228552113)_(228567034_?)dup

Gene: SLC19A3 (solute carrier family 19 member 3; minus strand). Cytogenetic location: 2q36.3.
Variant type: Duplication.
Identifiers: ClinVar variation 1445097 (VCV001445097.5).